The following is an entry in ClinVar:

ClinVar aggregate classification (germline): Uncertain significance. Review status: criteria provided, multiple submitters, no conflicts (2 of 4 stars). 2 submissions from 2 submitters: Uncertain significance (2). Last evaluated 2025-08-13.

Conditions:
Arrhythmogenic right ventricular dysplasia 13. Also called: ARRHYTHMOGENIC RIGHT VENTRICULAR CARDIOMYOPATHY 13; Arrhythmogenic right ventricular dysplasia, familial, 13. Identifiers: MedGen C3810138, MONDO:0000908, OMIM 615616.

Allele frequency attached by ClinVar (database versions not stated): gnomAD exomes below 0.00001; gnomAD 0.00002; TOPMed 0.00002.
gnomAD v4.1: 4 of 1,614,052 alleles (0.00025%); highest among the groups gnomAD compares: Admixed American, 0.0033%; no homozygotes.

Submissions (2):

Ambry Genetics
Classification: Uncertain significance. Last evaluated: 2025-08-13. Review status: criteria provided, single submitter. Criteria: Ambry Variant Classification Scheme 2023. Collection method: clinical testing. Allele origin: germline.

Labcorp Genetics (formerly Invitae), Labcorp
Classification: Uncertain significance for Arrhythmogenic right ventricular dysplasia 13. Last evaluated: 2023-08-28. Review status: criteria provided, single submitter. Criteria: Invitae Variant Classification Sherloc (09022015). Collection method: clinical testing. Allele origin: germline.
Comment: This sequence change replaces lysine, which is basic and polar, with arginine, which is basic and polar, at codon 855 of the CTNNA3 protein (p.Lys855Arg). This variant is present in population databases (no rsID available, gnomAD no frequency). This variant has not been reported in the literature in individuals affected with CTNNA3-related conditions. Advanced modeling of protein sequence and biophysical properties (such as structural, functional, and spatial information, amino acid conservation, physicochemical variation, residue mobility, and thermodynamic stability) performed at Invitae indicates that this missense variant is expected to disrupt CTNNA3 protein function. In summary, the available evidence is currently insufficient to determine the role of this variant in disease. Therefore, it has been classified as a Variant of Uncertain Significance.

NM_013266.4(CTNNA3):c.2564A>G (p.Lys855Arg)

Gene: CTNNA3 (catenin alpha 3; minus strand). Cytogenetic location: 10q21.3.
Variant type: single nucleotide variant.
Coding change: c.2564A>G on transcript NM_013266.4 (MANE Select); coding-DNA position 2564, A replaced by G.
Protein change: p.Lys855Arg; replaces lysine 855 with arginine.
Molecular consequence: missense variant.
Genome position (GRCh38, 1-based): chr10:65,920,454, T>C on the plus strand (A>G on the coding strand, the complement: CTNNA3 is on the minus strand). VCF-style: chr10-65920454-T-C. GRCh37 (hg19) VCF-style: chr10-67680212-T-C.
Other names: c.2564A>G (NM_013266.2); c.2564A>G, p.Lys855Arg (NM_001127384.3); short protein forms K855R.
Identifiers: ClinVar variation 2848846 (VCV002848846.4), dbSNP rs1467550342, ClinGen allele CA377088844.
Genomic context (GRCh38, chr10:65,920,454, plus strand): 5'-GAGCCTCGTCTGACAGCTGCACACGTTTCCTCTGGCTTCTCTCTTTTAATCAAGGGTTTT[T>C]TTGCAGGAGCCTTCATTCTCCACATCACAACTGGGTGCCGGGGCCCAGCAGGACTCTGGA-3'
Protein context (NP_037398.2, residues 845-865): VVMWRMKAPA[Lys855Arg]KPLIKREKPE